The following is an entry in ClinVar:

NM_001128225.3(SLC39A13):c.627C>T (p.Ala209=)

Gene: SLC39A13 (solute carrier family 39 member 13; plus strand). Cytogenetic location: 11p11.2.
Variant type: single nucleotide variant.
Coding change: c.627C>T on transcript NM_001128225.3 (MANE Select); coding-DNA position 627, C replaced by T.
Protein change: p.Ala209=; no amino-acid change (alanine 209 retained).
Molecular consequence: synonymous variant. On other transcripts: non-coding transcript variant (1).
Genome position (GRCh38, 1-based): chr11:47,413,489, C>T. VCF-style: chr11-47413489-C-T. GRCh37 (hg19) VCF-style: chr11-47435040-C-T.
Other names: c.627C>T, p.Ala209= (NM_001330245.2, NM_152264.5).
Identifiers: ClinVar variation 733090 (VCV000733090.6), dbSNP rs768982611, ClinGen allele CA5975846.

ClinVar aggregate classification (germline): Likely benign. Review status: criteria provided, multiple submitters, no conflicts (2 of 4 stars). 2 submissions from 2 submitters: Likely benign (2). Last evaluated 2026-09-01.

Conditions:
Ehlers-Danlos syndrome, spondylodysplastic type, 3. Also called: Ehlers-Danlos syndrome, spondylocheirodysplastic type. Identifiers: Orphanet 157965, MedGen C2676510, MONDO:0012873, OMIM 612350.

Allele frequency attached by ClinVar (database versions not stated): TOPMed 0.00001; gnomAD 0.00003.
gnomAD v4.1: 13 of 1,613,938 alleles (0.00081%); highest among the groups gnomAD compares: East Asian, 0.0067%; no homozygotes.

Submissions (2):

CeGaT Center for Human Genetics Tuebingen
Classification: Likely benign. Last evaluated: 2026-09-01. Review status: criteria provided, single submitter. Criteria: CeGaT Center For Human Genetics Tuebingen Variant Classification Criteria Version 2. Collection method: clinical testing. Allele origin: germline. Affected: yes. Observed: 1 variant allele.
Comment: SLC39A13: BP4, BP7

Labcorp Genetics (formerly Invitae), Labcorp
Classification: Likely benign for Ehlers-Danlos syndrome, spondylodysplastic type, 3. Last evaluated: 2025-02-12. Review status: criteria provided, single submitter. Criteria: Invitae Variant Classification Sherloc (09022015). Collection method: clinical testing. Allele origin: germline.